The following is an entry in ClinVar:

ClinVar aggregate classification (germline): Pathogenic/Likely pathogenic. Review status: criteria provided, multiple submitters, no conflicts (2 of 4 stars). 6 submissions from 6 submitters: Pathogenic (1); Likely pathogenic (5). Last evaluated 2026-02-19.

Conditions:
BRCA2-related cancer predisposition. Identifiers: MedGen CN377758, MONDO:0700269.
Hereditary cancer-predisposing syndrome. Also called: Neoplastic Syndromes, Hereditary; Hereditary neoplastic syndrome; Tumor predisposition; Hereditary Cancer Syndrome. Identifiers: Orphanet 140162, MedGen C0027672, MeSH D009386, MONDO:0015356.
Hereditary breast ovarian cancer syndrome. Also called: Hereditary breast and/or ovarian cancer syndrome; Hereditary breast and ovarian cancer syndrome; BRCA1- and BRCA2-Associated Hereditary Breast and Ovarian Cancer; Hereditary breast and ovarian cancer; Hereditary breast and ovarian cancer syndrome (HBOC); Breast and ovarian cancer. Identifiers: Orphanet 145, MedGen C0677776, MeSH D061325, MONDO:0003582. Disease mechanism: loss of function.
Familial cancer of breast. Also called: Hereditary breast cancer; hereditary breast carcinoma; BREAST CANCER, FAMILIAL. Identifiers: Orphanet 227535, MedGen C0346153, MONDO:0016419, OMIM 114480. Disease mechanism: loss of function.

Submissions (6):

Ambry Genetics
Classification: Pathogenic for Hereditary cancer-predisposing syndrome. Last evaluated: 2026-02-19. Review status: criteria provided, single submitter. Criteria: Ambry Variant Classification Scheme 2023. Collection method: clinical testing. Allele origin: germline.
Comment: The c.476-4_476-1delCCAGinsT intronic pathogenic mutation results from a deletion of 4 nucleotides (CCAG) and the insertion of 1 nucleotide (T) just upstream from coding exon 5 of the BRCA2 gene. The canonical splice acceptor site is well conserved in available vertebrate species. In silico splice site analysis predicts that this alteration will weaken the native splice acceptor site and may result in the creation or strengthening of a novel splice acceptor site. RNA studies have demonstrated that this alteration results in abnormal splicing in the set of samples tested (Ambry internal data). Another alteration impacting the same acceptor site (c.476-2A>G) has been shown to have a similar impact on splicing (Ambry internal data). Alterations that disrupt the canonical splice site are expected to cause aberrant splicing, resulting in an abnormal protein or a transcript that is subject to nonsense-mediated mRNA decay. Based on the supporting evidence, this variant is interpreted as a disease-causing mutation.

Labcorp Genetics (formerly Invitae), Labcorp
Classification: Likely pathogenic for Hereditary breast ovarian cancer syndrome. Last evaluated: 2025-12-10. Review status: criteria provided, single submitter. Criteria: Invitae Variant Classification Sherloc (09022015). Collection method: clinical testing. Allele origin: germline.
Comment: This sequence change affects an acceptor splice site in intron 5 of the BRCA2 gene. It is expected to disrupt RNA splicing. Variants that disrupt the donor or acceptor splice site typically lead to a loss of protein function (PMID: 16199547), and loss-of-function variants in BRCA2 are known to be pathogenic (PMID: 20104584). This variant is not present in population databases (gnomAD no frequency). Disruption of this splice site has been observed in individual(s) with breast cancer (PMID: 32427313). ClinVar contains an entry for this variant (Variation ID: 142998). Algorithms developed to predict the effect of sequence changes on RNA splicing suggest that this variant may disrupt the consensus splice site. In summary, the currently available evidence indicates that the variant is pathogenic, but additional data are needed to prove that conclusively. Therefore, this variant has been classified as Likely Pathogenic.

All of Us Research Program, National Institutes of Health
Classification: Likely pathogenic for BRCA2-related cancer predisposition. Last evaluated: 2024-03-29. Review status: criteria provided, single submitter. Criteria: ACMG Guidelines, 2015. Collection method: clinical testing. Allele origin: germline. Inheritance: Autosomal dominant inheritance. Observed: 1 variant allele, 1 heterozygote.
Comment: The c.476-4_476-1delinsT variant in the BRCA2 gene is located at the canonical splice site of intron 5 and is predicted to inflict acceptor loss (SpliceAI delta score: 0.98), resulting in alternative splicing and disrupted protein product. The variant has been reported in individuals with breast cancer (PMID: 31853058, 32427313). Another variant disrupting the same splice junction (c.476-2A>G) was reviewed as pathogenic by the expert panel (ClinVar ID: 37923). Loss-of-function variants of BRCA2 are known to be pathogenic (PMID: 8988179, 11897832, 29446198). The variant is reported in ClinVar (ID: 142998). The variant is absent in the general population database (gnomAD). Therefore, the c.476-4_476-1delinsT variant in the BRCA2 gene has been classified as likely pathogenic.

This study involves interpretation of variants in research participants for the purpose of population health screening. Participant phenotype was not available at the time of variant classification. Additional details can be found in publication PMID: 35346344, PMCID: PMC8962531

Baylor Genetics
Classification: Likely pathogenic for Familial cancer of breast. Last evaluated: 2023-03-22. Review status: criteria provided, single submitter. Criteria: ACMG Guidelines, 2015. Collection method: clinical testing. Allele origin: unknown.

Quest Diagnostics Nichols Institute San Juan Capistrano
Classification: Likely pathogenic. Last evaluated: 2017-04-24. Review status: criteria provided, single submitter. Criteria: Quest Diagnostics criteria. Collection method: clinical testing. Allele origin: germline.

Women's Health and Genetics/Laboratory Corporation of America, LabCorp
Classification: Likely pathogenic for Hereditary breast ovarian cancer syndrome. Last evaluated: 2014-06-26. Review status: criteria provided, single submitter. Criteria: LabCorp Variant Classification Summary - May 2015. Collection method: clinical testing. Allele origin: germline.

Literature cited by the submitters: PubMed 16199547 (cited by Labcorp Genetics (formerly Invitae), Labcorp); PubMed 20104584 (cited by Labcorp Genetics (formerly Invitae), Labcorp); PubMed 32427313 (cited by Labcorp Genetics (formerly Invitae), Labcorp and All of Us Research Program, National Institutes of Health); PubMed 8988179 (cited by All of Us Research Program, National Institutes of Health); PubMed 11897832 (cited by All of Us Research Program, National Institutes of Health); PubMed 29446198 (cited by All of Us Research Program, National Institutes of Health); PubMed 31853058 (cited by All of Us Research Program, National Institutes of Health).

NM_000059.4(BRCA2):c.476-4_476-1delinsT

Gene: BRCA2 (BRCA2 DNA repair associated; plus strand). Cytogenetic location: 13q13.1.
Variant type: Indel.
Coding change: c.476-4_476-1delinsT on transcript NM_000059.4 (MANE Select); 4 bases into the intron before coding-DNA position 476 through the canonical splice acceptor site of the intron before coding-DNA position 476, CCAG replaced by T.
Molecular consequence: splice acceptor variant.
Genome position (GRCh38, 1-based): chr13:32,326,238-32,326,241, CCAG replaced by T. VCF-style: chr13-32326238-CCAG-T. GRCh37 (hg19) VCF-style: chr13-32900375-CCAG-T.
Other names: c.476-4_476-1delCCAGinsT (NM_000059.3).
Identifiers: ClinVar variation 142998 (VCV000142998.17), dbSNP rs587782880, ClinGen allele CA020802.
Genomic context (GRCh38, chr13:32,326,238, plus strand): 5'-CTTAGAATACTAGAAATGTTAATAAAAATAAAACTTAACAATTTTCCCCTTTTTTTACCC[CCAG>T]TGGTATGTGGGAGTTTGTTTCATACACCAAAGTTTGTGAAGGTAAATATTCTACCTGGTT-3'